The following is an entry in ClinVar:

ClinVar aggregate classification (germline): Uncertain significance. Review status: criteria provided, multiple submitters, no conflicts (2 of 4 stars). 2 submissions from 2 submitters: Uncertain significance (2). Last evaluated 2024-10-24.

Conditions:
Inborn genetic diseases. Identifiers: MedGen C0950123, MeSH D030342.

Allele frequency attached by ClinVar (database versions not stated): ExAC 0.00001; TOPMed 0.00002; gnomAD 0.00003.
gnomAD v4.1: 10 of 1,612,748 alleles (0.00062%); highest among the groups gnomAD compares: Admixed American, 0.0017%; no homozygotes.

Submissions (2):

Labcorp Genetics (formerly Invitae), Labcorp
Classification: Uncertain significance. Last evaluated: 2024-10-24. Review status: criteria provided, single submitter. Criteria: Invitae Variant Classification Sherloc (09022015). Collection method: clinical testing. Allele origin: germline.
Comment: This sequence change replaces alanine, which is neutral and non-polar, with threonine, which is neutral and polar, at codon 1648 of the TECTA protein (p.Ala1648Thr). This variant is present in population databases (rs772411528, gnomAD 0.003%). This variant has not been reported in the literature in individuals affected with TECTA-related conditions. Invitae Evidence Modeling of protein sequence and biophysical properties (such as structural, functional, and spatial information, amino acid conservation, physicochemical variation, residue mobility, and thermodynamic stability) indicates that this missense variant is not expected to disrupt TECTA protein function with a negative predictive value of 95%. In summary, the available evidence is currently insufficient to determine the role of this variant in disease. Therefore, it has been classified as a Variant of Uncertain Significance.

Ambry Genetics
Classification: Uncertain significance for Inborn genetic diseases. Last evaluated: 2024-02-06. Review status: criteria provided, single submitter. Criteria: Ambry Variant Classification Scheme 2023. Collection method: clinical testing. Allele origin: germline.

NM_005422.4(TECTA):c.4942G>A (p.Ala1648Thr)

Genes: TBCEL-TECTA (TBCEL-TECTA readthrough; plus strand), TECTA (tectorin alpha; plus strand). Cytogenetic location: 11q23.3.
Variant type: single nucleotide variant.
Coding change: c.4942G>A on transcript NM_005422.4 (MANE Select); coding-DNA position 4942, G replaced by A.
Protein change: p.Ala1648Thr; replaces alanine 1648 with threonine.
Molecular consequence: missense variant.
Genome position (GRCh38, 1-based): chr11:121,160,387, G>A. VCF-style: chr11-121160387-G-A. GRCh37 (hg19) VCF-style: chr11-121031096-G-A.
Other names: c.5899G>A, p.Ala1967Thr (NM_001378761.1); short protein forms A1648T, A1967T.
Identifiers: ClinVar variation 2897585 (VCV002897585.4), dbSNP rs772411528, ClinGen allele CA6327602.
Genomic context (GRCh38, chr11:121,160,387, plus strand): 5'-GACCTAACAGATGATTATGTGACCTTGCGAGGGAAGCCGGTGGTAAGCAGCGTGGTGCTG[G>A]CCCAGAGCTGGAAAACCAATGGCATGCAGAAGAGGTGAGGGTGTAGGAGTTCAAGCCACT-3'
Protein context (NP_005413.2, residues 1638-1658): GKPVVSSVVL[Ala1648Thr]QSWKTNGMQK